The following is an entry in ClinVar:

NM_000548.5(TSC2):c.1244C>T (p.Ala415Val)

Gene: TSC2 (TSC complex subunit 2; plus strand). Cytogenetic location: 16p13.3.
Variant type: single nucleotide variant.
Coding change: c.1244C>T on transcript NM_000548.5 (MANE Select); coding-DNA position 1244, C replaced by T.
Protein change: p.Ala415Val; replaces alanine 415 with valine.
Molecular consequence: missense variant.
Genome position (GRCh38, 1-based): chr16:2,061,995, C>T. VCF-style: chr16-2061995-C-T. GRCh37 (hg19) VCF-style: chr16-2111996-C-T.
Other names: p.A415V:GCG>GTG; c.1244C>T, p.Ala415Val (NM_001077183.3, NM_001114382.3, NM_001363528.2 and 3 more transcripts); c.1133C>T, p.Ala378Val (NM_001318827.2); c.1097C>T, p.Ala366Val (NM_001318829.2); c.644C>T, p.Ala215Val (NM_001318831.2); c.1277C>T, p.Ala426Val (NM_001318832.2); c.1244C>T (NM_000548.4); short protein forms A415V, A366V, A426V, A215V, A378V.
Identifiers: ClinVar variation 184138 (VCV000184138.52), dbSNP rs374936223, ClinGen allele CA014143.

ClinVar aggregate classification (germline): Conflicting classifications of pathogenicity. Review status: criteria provided, conflicting classifications (1 of 4 stars). 16 submissions from 16 submitters: Uncertain significance (4); Benign (2); Likely benign (9). 1 of the submissions does not count toward it. Last evaluated 2026-01-26.

Conditions:
TSC2-related disorder. Also called: TSC2-Related Disorders; TSC2-related condition.
Hereditary cancer-predisposing syndrome. Also called: Tumor predisposition; Neoplastic Syndromes, Hereditary; Hereditary Cancer Syndrome; Hereditary neoplastic syndrome. Identifiers: Orphanet 140162, MedGen C0027672, MeSH D009386, MONDO:0015356.
Tuberous sclerosis syndrome (TSC). Also called: Tuberous Sclerosis Complex; Tuberous sclerosis. Identifiers: Orphanet 805, MedGen C0041341, MONDO:0001734.
Tuberous sclerosis 2 (TSC2). Identifiers: Orphanet 805, MedGen C1860707, MONDO:0013199, OMIM 613254.

Allele frequency attached by ClinVar (database versions not stated): ExAC 0.00009; gnomAD exomes 0.00010 and 0.00025; TOPMed 0.00012; gnomAD 0.00016; ESP Exome Variant Server 0.00023.
gnomAD v4.1: 383 of 1,613,972 alleles (0.024%); highest among the groups gnomAD compares: Non-Finnish European, 0.03%; no homozygotes.

Submissions (16):

Labcorp Genetics (formerly Invitae), Labcorp
Classification: Benign for Tuberous sclerosis 2. Last evaluated: 2026-01-26. Review status: criteria provided, single submitter. Criteria: Invitae Variant Classification Sherloc (09022015). Collection method: clinical testing. Allele origin: germline.

Color Diagnostics, LLC DBA Color Health
Classification: Benign for Tuberous sclerosis syndrome. Last evaluated: 2025-11-19. Review status: criteria provided, single submitter. Criteria: ACMG Guidelines, 2015. Collection method: clinical testing. Allele origin: germline.

Molecular Pathology, Peter Maccallum Cancer Centre
Classification: Likely benign for Tuberous sclerosis 2. Last evaluated: 2025-06-05. Review status: criteria provided, single submitter. Criteria: ACMG Guidelines, 2015. Collection method: clinical testing. Allele origin: germline. Inheritance: Autosomal dominant inheritance.

Myriad Genetics, Inc.
Classification: Likely benign for Tuberous sclerosis 2. Last evaluated: 2025-05-13. Review status: criteria provided, single submitter. Criteria: Myriad Autosomal Dominant, Autosomal Recessive and X-Linked Classification Criteria (2023). Collection method: clinical testing. Allele origin: unknown.
Comment: This variant is considered likely benign. This variant has been observed at a population frequency that is significantly greater than expected given the associated disease prevalence and penetrance.

Quest Diagnostics Nichols Institute San Juan Capistrano
Classification: Likely benign. Last evaluated: 2024-12-24. Review status: criteria provided, single submitter. Criteria: Quest Diagnostics criteria. Collection method: clinical testing. Allele origin: unknown.

ARUP Laboratories, Molecular Genetics and Genomics, ARUP Laboratories
Classification: Uncertain significance. Last evaluated: 2024-06-12. Review status: criteria provided, single submitter. Criteria: ARUP Molecular Germline Variant Investigation Process 2024. Collection method: clinical testing. Allele origin: germline.
Comment: The TSC2 c.1244C>T; p.Ala415Val variant (rs374936223), to our knowledge, is not reported in the medical literature in TSC2-related conditions but is reported in ClinVar (Variation ID: 184138). This variant is found in the general population with an overall allele frequency of 0.01% (30/282,174 alleles) in the Genome Aggregation Database (v2.1.1). Computational analyses are uncertain whether this variant is neutral or deleterious (REVEL: 0.56). While the high population frequency suggests that this is likely a benign variant, given the lack of clinical and functional data, the significance of this variant is uncertain at this time.

CeGaT Center for Human Genetics Tuebingen
Classification: Likely benign. Last evaluated: 2024-06-01. Review status: criteria provided, single submitter. Criteria: CeGaT Center For Human Genetics Tuebingen Variant Classification Criteria Version 2. Collection method: clinical testing. Allele origin: germline. Affected: yes. Observed: 1 variant allele.
Comment: TSC2: BS2

Blueprint Genetics
Classification: Likely benign. Last evaluated: 2023-10-09. Review status: criteria provided, single submitter. Criteria: ACMG Guidelines, 2015. Collection method: clinical testing. Allele origin: germline.

Genome-Nilou Lab
Classification: Likely benign for Tuberous sclerosis 2. Last evaluated: 2021-11-07. Review status: criteria provided, single submitter. Criteria: ACMG Guidelines, 2015. Collection method: clinical testing. Allele origin: germline. Affected: no.

Institute for Clinical Genetics, University Hospital TU Dresden, University Hospital TU Dresden
Classification: Uncertain significance. Last evaluated: 2021-11-03. Review status: criteria provided, single submitter. Criteria: ACMG Guidelines, 2015. Collection method: clinical testing. Allele origin: germline.

Sema4
Classification: Likely benign for Hereditary cancer-predisposing syndrome. Last evaluated: 2021-05-12. Review status: criteria provided, single submitter. Criteria: Sema4 Curation Guidelines. Collection method: curation. Allele origin: germline.

Ambry Genetics
Classification: Likely benign for Hereditary cancer-predisposing syndrome. Last evaluated: 2020-05-07. Review status: criteria provided, single submitter. Criteria: Ambry Variant Classification Scheme 2023. Collection method: clinical testing. Allele origin: germline.

Illumina Laboratory Services, Illumina
Classification: Uncertain significance for Tuberous sclerosis syndrome. Last evaluated: 2019-04-19. Review status: criteria provided, single submitter. Criteria: ICSL Variant Classification Criteria 13 December 2019. Collection method: clinical testing. Allele origin: germline.

Eurofins Ntd Llc (ga)
Classification: Uncertain significance. Last evaluated: 2016-07-29. Review status: criteria provided, single submitter. Criteria: EGL Classification Definitions 2015. Collection method: clinical testing. Allele origin: germline. Observed: 1 variant allele, 1 heterozygote.

GeneDx
Classification: Likely benign. Last evaluated: 2016-02-05. Review status: criteria provided, single submitter. Criteria: GeneDx Variant Classification (06012015). Collection method: clinical testing. Allele origin: germline. Affected: yes.
Comment: This variant is considered likely benign or benign based on one or more of the following criteria: it is a conservative change, it occurs at a poorly conserved position in the protein, it is predicted to be benign by multiple in silico algorithms, and/or has population frequency not consistent with disease.

PreventionGenetics, part of Exact Sciences
Classification: Likely benign for TSC2-related condition. Last evaluated: 2023-06-15. Review status: no assertion criteria provided. Collection method: clinical testing. Allele origin: germline. Not counted in ClinVar's aggregate classification.
Comment: This variant is classified as likely benign based on ACMG/AMP sequence variant interpretation guidelines (Richards et al. 2015 PMID: 25741868, with internal and published modifications).

Literature cited by the submitters: PubMed 28409891 (cited by Ambry Genetics).